The following is an entry in ClinVar:

ClinVar aggregate classification (germline): Benign/Likely benign. Review status: criteria provided, multiple submitters, no conflicts (2 of 4 stars). 4 submissions from 4 submitters: Benign (1); Likely benign (3). Last evaluated 2026-01-20.

Conditions:
Cardiovascular phenotype. Identifiers: MedGen CN230736.

Allele frequency attached by ClinVar (database versions not stated): 1000 Genomes Project 0.00060; 1000 Genomes Project 30x 0.00062.
gnomAD v4.1: 160 of 1,613,096 alleles (0.0099%); highest among the groups gnomAD compares: South Asian, 0.16%; 2 homozygotes.

Submissions (4):

Labcorp Genetics (formerly Invitae), Labcorp
Classification: Benign. Last evaluated: 2026-01-20. Review status: criteria provided, single submitter. Criteria: Invitae Variant Classification Sherloc (09022015). Collection method: clinical testing. Allele origin: germline.

Mayo Clinic Laboratories, Mayo Clinic
Classification: Likely benign. Last evaluated: 2025-04-28. Review status: criteria provided, single submitter. Criteria: ACMG Guidelines, 2015. Collection method: clinical testing. Allele origin: germline. Observed: 1 variant allele.
Comment: BS1, BP4, BP7

Women's Health and Genetics/Laboratory Corporation of America, LabCorp
Classification: Likely benign. Last evaluated: 2025-03-10. Review status: criteria provided, single submitter. Criteria: LabCorp Variant Classification Summary - May 2015. Collection method: clinical testing. Allele origin: germline.

Ambry Genetics
Classification: Likely benign for Cardiovascular phenotype. Last evaluated: 2020-05-28. Review status: criteria provided, single submitter. Criteria: Ambry Variant Classification Scheme 2023. Collection method: clinical testing. Allele origin: germline.

NM_001365276.2(TNXB):c.8289C>T (p.Phe2763=)

Gene: TNXB (tenascin XB; minus strand). Cytogenetic location: 6p21.33.
Variant type: single nucleotide variant.
Coding change: c.8289C>T on transcript NM_001365276.2 (MANE Select); coding-DNA position 8289, C replaced by T.
Protein change: p.Phe2763=; no amino-acid change (phenylalanine 2763 retained).
Molecular consequence: synonymous variant.
Genome position (GRCh38, 1-based): chr6:32,056,029, G>A on the plus strand (C>T on the coding strand, the complement: TNXB is on the minus strand). VCF-style: chr6-32056029-G-A. GRCh37 (hg19) VCF-style: chr6-32023806-G-A.
Other names: p.Phe2763=; c.8289C>T, p.Phe2763= (NM_019105.8).
Identifiers: ClinVar variation 1762748 (VCV001762748.5), dbSNP rs542131017, ClinGen allele CA3733896.